The following is an entry in ClinVar:

ClinVar aggregate classification (germline): Uncertain significance (1 of 4 stars; one submission).

Conditions:
Pyruvate dehydrogenase E2 deficiency (PDHDD). Also called: Dihydrolipoamide Acetyltransferase (E2) Deficiency; LACTIC ACIDEMIA DUE TO DEFECT OF E2 LIPOYL TRANSACETYLASE OF THE PYRUVATE DEHYDROGENASE COMPLEX. Identifiers: Orphanet 765, Orphanet 79244, MedGen C1855565, MONDO:0009502, OMIM 245348.

Submission:

Labcorp Genetics (formerly Invitae), Labcorp
Classification: Uncertain significance for Pyruvate dehydrogenase E2 deficiency. Last evaluated: 2022-07-19. Review status: criteria provided, single submitter. Criteria: Invitae Variant Classification Sherloc (09022015). Collection method: clinical testing. Allele origin: germline.
Comment: In summary, the available evidence is currently insufficient to determine the role of this variant in disease. Therefore, it has been classified as a Variant of Uncertain Significance. Algorithms developed to predict the effect of missense changes on protein structure and function are either unavailable or do not agree on the potential impact of this missense change (SIFT: "Not Available"; PolyPhen-2: "Possibly Damaging"; Align-GVGD: "Not Available"). This variant has not been reported in the literature in individuals affected with DLAT-related conditions. Information on the frequency of this variant in the gnomAD database is not available, as this variant may be reported differently in the database. This sequence change replaces serine, which is neutral and polar, with isoleucine, which is neutral and non-polar, at codon 391 of the DLAT protein (p.Ser391Ile).

NM_001931.5(DLAT):c.1171_1172delinsAT (p.Ser391Ile)

Gene: DLAT (dihydrolipoamide S-acetyltransferase; plus strand). Cytogenetic location: 11q23.1.
Variant type: Indel.
Coding change: c.1171_1172delinsAT on transcript NM_001931.5 (MANE Select); coding-DNA positions 1171 to 1172, TC replaced by AT.
Protein change: p.Ser391Ile; replaces serine 391 with isoleucine.
Molecular consequence: missense variant. On other transcripts: non-coding transcript variant (1).
Genome position (GRCh38, 1-based): chr11:112,043,507-112,043,508, TC replaced by AT. VCF-style: chr11-112043507-TC-AT. GRCh37 (hg19) VCF-style: chr11-111914231-TC-AT.
Other names: c.1171_1172delinsAT, p.Ser391Ile (NM_001372031.1, NM_001372033.1, NM_001372035.1); c.1165_1166delinsAT, p.Ser389Ile (NM_001372032.1); c.1138_1139delinsAT, p.Ser380Ile (NM_001372034.1); c.1045_1046delinsAT, p.Ser349Ile (NM_001372036.1); c.1003_1004delinsAT, p.Ser335Ile (NM_001372037.1); c.892_893delinsAT, p.Ser298Ile (NM_001372038.1); c.856_857delinsAT, p.Ser286Ile (NM_001372039.1, NM_001372041.1); c.790_791delinsAT, p.Ser264Ile (NM_001372040.1); and 1 more; short protein forms S298I, S264I, S349I, S389I, S237I, S286I, S335I, S380I.
Identifiers: ClinVar variation 2092683 (VCV002092683.4), dbSNP rs2498529234, ClinGen allele CA2580083276.